The following is an entry in ClinVar:

NM_020163.3(SEMA3G):c.1777G>A (p.Gly593Ser)

Gene: SEMA3G (semaphorin 3G; minus strand). Cytogenetic location: 3p21.1.
Variant type: single nucleotide variant.
Coding change: c.1777G>A on transcript NM_020163.3 (MANE Select); coding-DNA position 1777, G replaced by A.
Protein change: p.Gly593Ser; replaces glycine 593 with serine.
Molecular consequence: missense variant.
Genome position (GRCh38, 1-based): chr3:52,437,628, C>T on the plus strand (G>A on the coding strand, the complement: SEMA3G is on the minus strand). VCF-style: chr3-52437628-C-T. GRCh37 (hg19) VCF-style: chr3-52471644-C-T.
Other names: c.1777G>A (NM_020163.2); short protein forms G593S.
Identifiers: ClinVar variation 2276069 (VCV002276069.5), dbSNP rs752233182, ClinGen allele CA2437820.

ClinVar aggregate classification (germline): Uncertain significance. Review status: criteria provided, multiple submitters, no conflicts (2 of 4 stars). 2 submissions from 2 submitters: Uncertain significance (2). Last evaluated 2025-05-28.

Conditions:
SEMA3G-related disorder. Also called: SEMA3G-related condition.

Allele frequency attached by ClinVar (database versions not stated): gnomAD 0.00001; ExAC 0.00002.
gnomAD v4.1: 11 of 1,612,708 alleles (0.00068%); highest among the groups gnomAD compares: South Asian, 0.0044%; no homozygotes.

Submissions (2):

PreventionGenetics, part of Exact Sciences
Classification: Uncertain significance for SEMA3G-related condition. Last evaluated: 2025-05-28. Review status: criteria provided, single submitter. Criteria: ACMG Guidelines, 2015. Collection method: clinical testing. Allele origin: germline.
Comment: The SEMA3G c.1777G>A variant is predicted to result in the amino acid substitution p.Gly593Ser. To our knowledge, this variant has not been reported in the literature. This variant is reported in 0.0065% of alleles in individuals of South Asian descent in gnomAD. At this time, the clinical significance of this variant is uncertain due to the absence of conclusive functional and genetic evidence.

Ambry Genetics
Classification: Uncertain significance. Last evaluated: 2022-09-07. Review status: criteria provided, single submitter. Criteria: Ambry Variant Classification Scheme 2023. Collection method: clinical testing. Allele origin: germline.